The following is an entry in ClinVar:

ClinVar aggregate classification (germline): Uncertain significance (1 of 4 stars; one submission).

Submission:

Labcorp Genetics (formerly Invitae), Labcorp
Classification: Uncertain significance. Last evaluated: 2024-09-30. Review status: criteria provided, single submitter. Criteria: Invitae Variant Classification Sherloc (09022015). Collection method: clinical testing. Allele origin: germline.
Comment: This sequence change replaces arginine, which is basic and polar, with glutamine, which is neutral and polar, at codon 224 of the TBX6 protein (p.Arg224Gln). This variant is present in population databases (rs200913126, gnomAD 0.06%). This missense change has been observed in individual(s) with TBX6-related conditions (PMID: 36112137). Invitae Evidence Modeling of protein sequence and biophysical properties (such as structural, functional, and spatial information, amino acid conservation, physicochemical variation, residue mobility, and thermodynamic stability) indicates that this missense variant is not expected to disrupt TBX6 protein function with a negative predictive value of 80%. Experimental studies have shown that this missense change does not substantially affect TBX6 function (PMID: 31015262). In summary, the available evidence is currently insufficient to determine the role of this variant in disease. Therefore, it has been classified as a Variant of Uncertain Significance.

Literature cited by the submitters: PubMed 36112137; PubMed 31015262.

NM_004608.4(TBX6):c.671G>A (p.Arg224Gln)

Gene: TBX6 (T-box transcription factor 6; minus strand). Cytogenetic location: 16p11.2.
Variant type: single nucleotide variant.
Coding change: c.671G>A on transcript NM_004608.4 (MANE Select); coding-DNA position 671, G replaced by A.
Protein change: p.Arg224Gln; replaces arginine 224 with glutamine.
Molecular consequence: missense variant.
Genome position (GRCh38, 1-based): chr16:30,088,790, C>T on the plus strand (G>A on the coding strand, the complement: TBX6 is on the minus strand). VCF-style: chr16-30088790-C-T. GRCh37 (hg19) VCF-style: chr16-30100111-C-T.
Other names: short protein forms R224Q.
Identifiers: ClinVar variation 3666893 (VCV003666893.2).
Genomic context (GRCh38, chr16:30,088,790, plus strand): 5'-GTCTCGGGGAAGCGGAAGGAGGCCATGCCCCCCCAGTGCTGGCTGCAGAGCTGGGCTGCC[C>T]GAACTAGGTGTATGCGGGGTTGGTACTTGTGCATGGAGTGCAGGATCAGCTGGGAGGGAG-3'
Protein context (NP_004599.2, residues 214-234): HKYQPRIHLV[Arg224Gln]AAQLCSQHWG